The following is an entry in ClinVar:

ClinVar aggregate classification (germline): Pathogenic (1 of 4 stars; one submission).

Conditions:
Charcot-Marie-Tooth disease axonal type 2T. Identifiers: Orphanet 443950, MedGen C4015635, OMIM 617017, MONDO:0014866.

Submission:

Baylor Genetics
Classification: Pathogenic for Charcot-Marie-Tooth disease, axonal, type 2t. Last evaluated: 2013-10-25. Review status: criteria provided, single submitter. Criteria: Yang et al. 2013. Collection method: clinical testing. Allele origin: germline. Inheritance: Autosomal recessive inheritance. Affected: yes. Observed: 1 variant allele, 1 homozygote. Study: Adult_WES.

Literature cited by the submitters: PubMed 26633545.

NM_006736.6(DNAJB2):c.343G>T (p.Glu115Ter)

Gene: DNAJB2 (DnaJ heat shock protein family (Hsp40) member B2; plus strand). Cytogenetic location: 2q35.
Variant type: single nucleotide variant.
Coding change: c.343G>T on transcript NM_006736.6 (MANE Select); coding-DNA position 343, G replaced by T.
Protein change: p.Glu115Ter; replaces glutamic acid 115 with a stop codon.
Molecular consequence: nonsense.
Genome position (GRCh38, 1-based): chr2:219,282,052, G>T. VCF-style: chr2-219282052-G-T. GRCh37 (hg19) VCF-style: chr2-220146774-G-T.
Other names: c.343G>T, p.Glu115Ter (NM_001039550.2); short protein forms E115*.
Identifiers: ClinVar variation 209147 (VCV000209147.2), dbSNP rs797045039, ClinGen allele CA250337.